The following is an entry in ClinVar:

NM_001369268.1(ACAN):c.1567C>T (p.Gln523Ter)

Gene: ACAN (aggrecan; plus strand). Cytogenetic location: 15q26.1.
Variant type: single nucleotide variant.
Coding change: c.1567C>T on transcript NM_001369268.1 (MANE Select); coding-DNA position 1567, C replaced by T.
Protein change: p.Gln523Ter; replaces glutamine 523 with a stop codon.
Molecular consequence: nonsense.
Genome position (GRCh38, 1-based): chr15:88,847,380, C>T. VCF-style: chr15-88847380-C-T. GRCh37 (hg19) VCF-style: chr15-89390611-C-T.
Other names: c.1567C>T, p.Gln523Ter (NM_001135.4, NM_001411096.1, NM_001411097.1 and 1 more transcripts); short protein forms Q523*.
Identifiers: ClinVar variation 4805758 (VCV004805758.1).

ClinVar aggregate classification (germline): Pathogenic (1 of 4 stars; one submission).

Submission:

Labcorp Genetics (formerly Invitae), Labcorp
Classification: Pathogenic. Last evaluated: 2025-09-06. Review status: criteria provided, single submitter. Criteria: Invitae Variant Classification Sherloc (09022015). Collection method: clinical testing. Allele origin: germline.
Comment: This sequence change creates a premature translational stop signal (p.Gln523*) in the ACAN gene. It is expected to result in an absent or disrupted protein product. Loss-of-function variants in ACAN are known to be pathogenic (PMID: 16080123, 24762113). This variant is not present in population databases (gnomAD no frequency). This variant has not been reported in the literature in individuals affected with ACAN-related conditions. For these reasons, this variant has been classified as Pathogenic.

Literature cited by the submitters: PubMed 16080123; PubMed 24762113.